The following is an entry in ClinVar:

ClinVar aggregate classification (germline): Uncertain significance (1 of 4 stars; one submission).

Conditions:
Ehlers-Danlos syndrome, dermatosparaxis type. Also called: EDS VIIC; Dermatosparaxis; Ehlers-Danlos syndrome, type VII, autosomal recessive. Identifiers: Orphanet 1901, MedGen C2700425, MONDO:0009161, OMIM 225410.

Submission:

Labcorp Genetics (formerly Invitae), Labcorp
Classification: Uncertain significance for Ehlers-Danlos syndrome, dermatosparaxis type. Last evaluated: 2021-08-24. Review status: criteria provided, single submitter. Criteria: Invitae Variant Classification Sherloc (09022015). Collection method: clinical testing. Allele origin: germline.
Comment: This sequence change falls in intron 8 of the ADAMTS2 gene. It does not directly change the encoded amino acid sequence of the ADAMTS2 protein. It affects a nucleotide within the consensus splice site of the intron. This variant is not present in population databases (ExAC no frequency). This variant has not been reported in the literature in individuals affected with ADAMTS2-related conditions. Variants that disrupt the consensus splice site are a relatively common cause of aberrant splicing (PMID: 17576681, 9536098). Algorithms developed to predict the effect of sequence changes on RNA splicing suggest that this variant may disrupt the consensus splice site. In summary, the available evidence is currently insufficient to determine the role of this variant in disease. Therefore, it has been classified as a Variant of Uncertain Significance.

Literature cited by the submitters: PubMed 17576681; PubMed 9536098.

NM_014244.5(ADAMTS2):c.1383-3C>A

Gene: ADAMTS2 (ADAM metallopeptidase with thrombospondin type 1 motif 2; minus strand). Cytogenetic location: 5q35.3.
Variant type: single nucleotide variant.
Coding change: c.1383-3C>A on transcript NM_014244.5 (MANE Select); 3 bases into the intron before coding-DNA position 1383, C replaced by A.
Molecular consequence: intron variant.
Genome position (GRCh38, 1-based): chr5:179,153,626, G>T on the plus strand (C>A on the coding strand, the complement: ADAMTS2 is on the minus strand). VCF-style: chr5-179153626-G-T. GRCh37 (hg19) VCF-style: chr5-178580627-G-T.
Other names: c.1383-3C>A (NM_021599.4).
Identifiers: ClinVar variation 469663 (VCV000469663.2), dbSNP rs1554126056, ClinGen allele CA658657572.